The following is an entry in ClinVar:

NM_021625.5(TRPV4):c.2595del (p.Thr866fs)

Gene: TRPV4 (transient receptor potential cation channel subfamily V member 4; minus strand). Cytogenetic location: 12q24.11.
Variant type: Deletion.
Coding change: c.2595del on transcript NM_021625.5 (MANE Select); coding-DNA position 2595, one base deleted (G; older notation c.2595delG).
Protein change: p.Thr866fs; shifts the reading frame from threonine 866.
Molecular consequence: frameshift variant.
Genome position (GRCh38, 1-based): chr12:109,783,642, C deleted on the plus strand (G on the coding strand, the reverse complement: TRPV4 is on the minus strand); the first of 2 consecutive C bases (chr12:109,783,642-109,783,643); deleting either gives the same sequence. VCF-style (leftmost placement, unchanged base first): chr12-109783641-TC-T. GRCh37 (hg19) VCF-style: chr12-110221446-TC-T.
Other names: c.2453delG, p.Thr819Leufs (NM_001177428.2); c.2492delG, p.Thr832Leufs (NM_001177431.2); c.2273delG, p.Thr759Leufs (NM_001177433.2); c.2414delG, p.Thr806Leufs (NM_147204.3); short protein forms T806fs, T866fs, T759fs, T819fs, T832fs.
Identifiers: ClinVar variation 1956517 (VCV001956517.5), dbSNP rs1341479592, ClinGen allele CA683465314.

ClinVar aggregate classification (germline): Uncertain significance (1 of 4 stars; one submission).

Conditions:
Charcot-Marie-Tooth disease axonal type 2C (HMSN2C). Also called: Charcot-Marie-Tooth Disease Type 2, TRPV4-Related (CMT2C); CHARCOT-MARIE-TOOTH DISEASE, AXONAL, AUTOSOMAL DOMINANT, TYPE 2C; Charcot-Marie-Tooth Neuropathy Type 2C. Identifiers: Orphanet 99937, MedGen C1853710, MONDO:0011633, OMIM 606071.

Submission:

Labcorp Genetics (formerly Invitae), Labcorp
Classification: Uncertain significance for Charcot-Marie-Tooth disease axonal type 2C. Last evaluated: 2022-08-31. Review status: criteria provided, single submitter. Criteria: Invitae Variant Classification Sherloc (09022015). Collection method: clinical testing. Allele origin: germline.
Comment: This sequence change results in a frameshift in the TRPV4 gene (p.Thr866Leufs*21). While this is not anticipated to result in nonsense mediated decay, it is expected to disrupt the last 6 amino acid(s) of the TRPV4 protein and extend the protein by 14 additional amino acid residues. This variant is not present in population databases (gnomAD no frequency). This variant has not been reported in the literature in individuals affected with TRPV4-related conditions. In summary, the available evidence is currently insufficient to determine the role of this variant in disease. Therefore, it has been classified as a Variant of Uncertain Significance.